The following is an entry in ClinVar:

ClinVar aggregate classification (germline): Uncertain significance (1 of 4 stars; one submission).

Conditions:
Achondrogenesis, type IB (ACG1B). Also called: Achondrogenesis Type 1B. Identifiers: Orphanet 932, Orphanet 93298, MedGen C0265274, MONDO:0010966, OMIM 600972.
Multiple epiphyseal dysplasia type 4 (EDM4). Also called: Multiple Epiphyseal Dysplasia, Recessive; MULTIPLE EPIPHYSEAL DYSPLASIA WITH BILAYERED PATELLAE; MULTIPLE EPIPHYSEAL DYSPLASIA WITH CLUBFOOT; MULTIPLE EPIPHYSEAL DYSPLASIA, AUTOSOMAL RECESSIVE; SLC26A2-Related Multiple Epiphyseal Dysplasia. Identifiers: Orphanet 93307, MedGen C1847593, MONDO:0009189, OMIM 226900.
Atelosteogenesis type II (AO2). Also called: NEONATAL OSSEOUS DYSPLASIA I; Neonatal osseous dysplasia 1; SLC26A2-Related Atelosteogenesis. Identifiers: Orphanet 56304, MedGen C1850554, MONDO:0009727, OMIM 256050.
Diastrophic dysplasia (DTD). Also called: Diastrophic dwarfism. Identifiers: Orphanet 628, MedGen C0220726, MONDO:0009107, OMIM 222600.

Allele frequency attached by ClinVar (database versions not stated): gnomAD 0.00002; TOPMed 0.00002; gnomAD exomes 0.00005; ExAC 0.00007; ESP Exome Variant Server 0.00015.
gnomAD v4.1: 80 of 1,614,020 alleles (0.005%); highest among the groups gnomAD compares: Non-Finnish European, 0.0058%; no homozygotes.

Submission:

Labcorp Genetics (formerly Invitae), Labcorp
Classification: Uncertain significance for Atelosteogenesis type II; Multiple epiphyseal dysplasia type 4; Achondrogenesis, type IB; Diastrophic dysplasia. Last evaluated: 2022-03-12. Review status: criteria provided, single submitter. Criteria: Invitae Variant Classification Sherloc (09022015). Collection method: clinical testing. Allele origin: germline.
Comment: This sequence change replaces asparagine, which is neutral and polar, with serine, which is neutral and polar, at codon 187 of the SLC26A2 protein (p.Asn187Ser). This variant is present in population databases (rs146895291, gnomAD 0.01%). This variant has not been reported in the literature in individuals affected with SLC26A2-related conditions. Advanced modeling of protein sequence and biophysical properties (such as structural, functional, and spatial information, amino acid conservation, physicochemical variation, residue mobility, and thermodynamic stability) performed at Invitae indicates that this missense variant is not expected to disrupt SLC26A2 protein function. In summary, the available evidence is currently insufficient to determine the role of this variant in disease. Therefore, it has been classified as a Variant of Uncertain Significance.

NM_000112.4(SLC26A2):c.560A>G (p.Asn187Ser)

Gene: SLC26A2 (solute carrier family 26 member 2; plus strand). Cytogenetic location: 5q32.
Variant type: single nucleotide variant.
Coding change: c.560A>G on transcript NM_000112.4 (MANE Select); coding-DNA position 560, A replaced by G.
Protein change: p.Asn187Ser; replaces asparagine 187 with serine.
Molecular consequence: missense variant.
Genome position (GRCh38, 1-based): chr5:149,978,212, A>G. VCF-style: chr5-149978212-A-G. GRCh37 (hg19) VCF-style: chr5-149357775-A-G.
Other names: short protein forms N187S.
Identifiers: ClinVar variation 2073772 (VCV002073772.1), dbSNP rs146895291, ClinGen allele CA3505275.